The following is an entry in ClinVar:

NM_000127.3(EXT1):c.1670T>C (p.Ile557Thr)

Gene: EXT1 (exostosin glycosyltransferase 1; minus strand). Cytogenetic location: 8q24.11.
Variant type: single nucleotide variant.
Coding change: c.1670T>C on transcript NM_000127.3 (MANE Select); coding-DNA position 1670, T replaced by C.
Protein change: p.Ile557Thr; replaces isoleucine 557 with threonine.
Molecular consequence: missense variant.
Genome position (GRCh38, 1-based): chr8:117,812,924, A>G on the plus strand (T>C on the coding strand, the complement: EXT1 is on the minus strand). VCF-style: chr8-117812924-A-G. GRCh37 (hg19) VCF-style: chr8-118825163-A-G.
Other names: short protein forms I557T.
Identifiers: ClinVar variation 1912234 (VCV001912234.6), dbSNP rs2488096667, ClinGen allele CA371881344.

ClinVar aggregate classification (germline): Uncertain significance. Review status: criteria provided, multiple submitters, no conflicts (2 of 4 stars). 2 submissions from 2 submitters: Uncertain significance (2). Last evaluated 2023-05-12.

Conditions:
Chondrosarcoma. Also called: Chondrosarcoma, somatic. Identifiers: Orphanet 55880, MedGen C0008479, MONDO:0008977, OMIM 215300, HP:0006765.
Multiple congenital exostosis (EXT). Also called: Multiple osteochondromas; Hereditary multiple osteochondromas; Hereditary multiple exostoses; Hereditary multiple exostosis; MULTIPLE CARTILAGINOUS EXOSTOSES; Multiple exostoses. Identifiers: Orphanet 321, MedGen C0015306, MONDO:0005508, HP:0002762.

Allele frequency attached by ClinVar (database versions not stated): gnomAD exomes below 0.00001.
gnomAD v4.1: 1 of 1,614,002 alleles (0.000062%); highest among the groups gnomAD compares: Non-Finnish European, 0.000085%; no homozygotes.

Submissions (2):

Baylor Genetics
Classification: Uncertain significance for Chondrosarcoma. Last evaluated: 2023-05-12. Review status: criteria provided, single submitter. Criteria: ACMG Guidelines, 2015. Collection method: clinical testing. Allele origin: unknown.

Labcorp Genetics (formerly Invitae), Labcorp
Classification: Uncertain significance for Multiple congenital exostosis. Last evaluated: 2022-06-13. Review status: criteria provided, single submitter. Criteria: Invitae Variant Classification Sherloc (09022015). Collection method: clinical testing. Allele origin: germline.
Comment: In summary, the available evidence is currently insufficient to determine the role of this variant in disease. Therefore, it has been classified as a Variant of Uncertain Significance. Advanced modeling of protein sequence and biophysical properties (such as structural, functional, and spatial information, amino acid conservation, physicochemical variation, residue mobility, and thermodynamic stability) performed at Invitae indicates that this missense variant is not expected to disrupt EXT1 protein function. This variant has not been reported in the literature in individuals affected with EXT1-related conditions. This variant is not present in population databases (gnomAD no frequency). This sequence change replaces isoleucine, which is neutral and non-polar, with threonine, which is neutral and polar, at codon 557 of the EXT1 protein (p.Ile557Thr).